The following is an entry in ClinVar:

ClinVar aggregate classification (germline): Uncertain significance (1 of 4 stars; one submission).

Submission:

Ambry Genetics
Classification: Uncertain significance. Last evaluated: 2025-08-12. Review status: criteria provided, single submitter. Criteria: Ambry Variant Classification Scheme 2023. Collection method: clinical testing. Allele origin: germline.
Comment: The p.E259K variant (also known as c.775G>A), located in coding exon 4 of the MYOM1 gene, results from a G to A substitution at nucleotide position 775. The glutamic acid at codon 259 is replaced by lysine, an amino acid with similar properties. This amino acid position is conserved. In addition, this alteration is predicted to be tolerated by in silico analysis. Based on the available evidence, the clinical significance of this variant remains unclear.

NM_003803.4(MYOM1):c.775G>A (p.Glu259Lys)

Gene: MYOM1 (myomesin 1; minus strand). Cytogenetic location: 18p11.31.
Variant type: single nucleotide variant.
Coding change: c.775G>A on transcript NM_003803.4 (MANE Select); coding-DNA position 775, G replaced by A.
Protein change: p.Glu259Lys; replaces glutamic acid 259 with lysine.
Molecular consequence: missense variant.
Genome position (GRCh38, 1-based): chr18:3,187,634, C>T on the plus strand (G>A on the coding strand, the complement: MYOM1 is on the minus strand). VCF-style: chr18-3187634-C-T. GRCh37 (hg19) VCF-style: chr18-3187632-C-T.
Other names: c.775G>A, p.Glu259Lys (NM_019856.2); short protein forms E259K.
Identifiers: ClinVar variation 4115982 (VCV004115982.1).
Genomic context (GRCh38, chr18:3,187,634, plus strand): 5'-ACTCAGGAGCATGGAGAAGATGGTCTTCATTCAGCTTGGCATGATATGTCTCGGTTTCTT[C>T]TAACTGAAAAAACAAATATGCAAACAAACATATTACCAAAATACCAATAAATCAAAGTGA-3'
Protein context (NP_003794.3, residues 249-269): AERLSLRKTL[Glu259Lys]ETETYHAKLN